The following is an entry in ClinVar:

NM_018206.6(VPS35):c.265A>T (p.Arg89Trp)

Gene: VPS35 (VPS35 retromer complex component; minus strand). Cytogenetic location: 16q11.2.
Variant type: single nucleotide variant.
Coding change: c.265A>T on transcript NM_018206.6 (MANE Select); coding-DNA position 265, A replaced by T.
Protein change: p.Arg89Trp; replaces arginine 89 with tryptophan.
Molecular consequence: missense variant.
Genome position (GRCh38, 1-based): chr16:46,681,435, T>A on the plus strand (A>T on the coding strand, the complement: VPS35 is on the minus strand). VCF-style: chr16-46681435-T-A. GRCh37 (hg19) VCF-style: chr16-46715347-T-A.
Other names: c.265A>T (NM_018206.4); short protein forms R89W.
Identifiers: ClinVar variation 3032290 (VCV003032290.3), dbSNP rs2548885319, ClinGen allele CA395814745.
Genomic context (GRCh38, chr16:46,681,435, plus strand): 5'-ACAGCCTTGGGATAATGTTTCCAGCATACTGTACAAGTTCGTAGAGATCTGCCACTTTCC[T>A]TCCTTTAGCAAACTCATCTGTCAGGTAGACCTCCAAGTAGTGCAGTTCATCAGAAATGGC-3'
Protein context (NP_060676.2, residues 79-99): VYLTDEFAKG[Arg89Trp]KVADLYELVQ

ClinVar aggregate classification (germline): Uncertain significance. Review status: criteria provided, single submitter (1 of 4 stars). 2 submissions from 2 submitters: Uncertain significance (1). 1 of the submissions does not count toward it. Last evaluated 2025-02-07.

Conditions:
Inborn genetic diseases. Identifiers: MedGen C0950123, MeSH D030342.
VPS35-related disorder. Also called: VPS35-related condition.

gnomAD v4.1: 3 of 1,613,778 alleles (0.00019%); highest among the groups gnomAD compares: Non-Finnish European, 0.00025%; no homozygotes.

Submissions (2):

Ambry Genetics
Classification: Uncertain significance for Inborn genetic diseases. Last evaluated: 2025-02-07. Review status: criteria provided, single submitter. Criteria: Ambry Variant Classification Scheme 2023. Collection method: clinical testing. Allele origin: germline.

PreventionGenetics, part of Exact Sciences
Classification: Uncertain significance for VPS35-related condition. Last evaluated: 2024-01-11. Review status: no assertion criteria provided. Collection method: clinical testing. Allele origin: germline. Not counted in ClinVar's aggregate classification.
Comment: The VPS35 c.265A>T variant is predicted to result in the amino acid substitution p.Arg89Trp. To our knowledge, this variant has not been reported in the literature or in a large population database, indicating this variant is rare. At this time, the clinical significance of this variant is uncertain due to the absence of conclusive functional and genetic evidence.